The following is an entry in ClinVar:

ClinVar aggregate classification (germline): Uncertain significance (0 of 4 stars; one submission).

Submission:

Department of Pathology and Laboratory Medicine, Sinai Health System
Classification: Uncertain significance. Review status: no assertion criteria provided. Collection method: clinical testing. Allele origin: unknown. Affected: yes. Study: The Canadian Open Genetics Repository (COGR).
Comment: The DMD p.Met212Ile variant was not identified in the literature nor was it identified in dbSNP, ClinVar or in the following control databases: the 1000 Genomes Project, the NHLBI GO Exome Sequencing Project, or the Genome Aggregation Database (March 6, 2019, v2.1.1). The p.Met212 residue is not conserved in mammals and computational analyses (PolyPhen-2, SIFT, AlignGVGD, BLOSUM, MutationTaster) do not suggest a high likelihood of impact to the protein; however, this information is not predictive enough to rule out pathogenicity. The variant occurs outside of the splicing consensus sequence and in silico or computational prediction software programs (SpliceSiteFinder, MaxEntScan, NNSPLICE, GeneSplicer) do not predict a difference in splicing. In summary, based on the above information the clinical significance of this variant cannot be determined with certainty at this time. This variant is classified as a variant of uncertain significance.

NM_004006.3(DMD):c.1005G>A (p.Met335Ile)

Gene: DMD (dystrophin; minus strand). Cytogenetic location: Xp21.1.
Variant type: single nucleotide variant.
Coding change: c.1005G>A on transcript NM_004006.3 (MANE Select); coding-DNA position 1005, G replaced by A.
Protein change: p.Met335Ile; replaces methionine 335 with isoleucine.
Molecular consequence: missense variant.
Genome position (GRCh38, 1-based): chrX:32,645,108, C>T on the plus strand (G>A on the coding strand, the complement: DMD is on the minus strand). VCF-style: chrX-32645108-C-T. GRCh37 (hg19) VCF-style: chrX-32663225-C-T.
Other names: c.981G>A, p.Met327Ile (NM_000109.4); c.993G>A, p.Met331Ile (NM_004009.3); c.636G>A, p.Met212Ile (NM_004010.3); short protein forms M212I, M327I, M331I, M335I.
Identifiers: ClinVar variation 1050467 (VCV001050467.1), dbSNP rs2146835173, ClinGen allele CA412662264.